The following is an entry in ClinVar:

ClinVar aggregate classification (germline): Likely benign (1 of 4 stars; one submission).

Conditions:
TUBA4A-related disorder. Also called: TUBA4A-related condition.

gnomAD v4.1: 1 of 1,614,074 alleles (0.000062%); highest among the groups gnomAD compares: African/African-American, 0.0013%; no homozygotes.

Submission:

PreventionGenetics, part of Exact Sciences
Classification: Likely benign for TUBA4A-related condition. Last evaluated: 2025-02-13. Review status: criteria provided, single submitter. Criteria: ACMG Guidelines, 2015. Collection method: clinical testing. Allele origin: germline.
Comment: This variant is classified as likely benign based on ACMG/AMP sequence variant interpretation guidelines (Richards et al. 2015 PMID: 25741868, with internal and published modifications).

NM_006000.3(TUBA4A):c.894T>G (p.Pro298=)

Gene: TUBA4A (tubulin alpha 4a; minus strand). Cytogenetic location: 2q35.
Variant type: single nucleotide variant.
Coding change: c.894T>G on transcript NM_006000.3 (MANE Select); coding-DNA position 894, T replaced by G.
Protein change: p.Pro298=; no amino-acid change (proline 298 retained).
Molecular consequence: synonymous variant.
Genome position (GRCh38, 1-based): chr2:219,250,805, A>C on the plus strand (T>G on the coding strand, the complement: TUBA4A is on the minus strand). VCF-style: chr2-219250805-A-C. GRCh37 (hg19) VCF-style: chr2-220115527-A-C.
Other names: c.849T>G, p.Pro283= (NM_001278552.2).
Identifiers: ClinVar variation 4990692 (VCV004990692.1).